The following is an entry in ClinVar:

NM_001060.6(TBXA2R):c.-11G>A

Gene: TBXA2R (thromboxane A2 receptor; minus strand). Cytogenetic location: 19p13.3.
Variant type: single nucleotide variant.
Coding change: c.-11G>A on transcript NM_001060.6 (MANE Select); 11 bases upstream of the start codon, G replaced by A.
Molecular consequence: 5 prime UTR variant.
Genome position (GRCh38, 1-based): chr19:3,600,645, C>T on the plus strand (G>A on the coding strand, the complement: TBXA2R is on the minus strand). VCF-style: chr19-3600645-C-T. GRCh37 (hg19) VCF-style: chr19-3600643-C-T.
Other names: c.-11G>A (NM_201636.3).
Identifiers: ClinVar variation 4853136 (VCV004853136.1).

ClinVar aggregate classification (germline): Uncertain significance (1 of 4 stars; one submission).

gnomAD v4.1: 1 of 1,611,340 alleles (0.000062%); highest among the groups gnomAD compares: Non-Finnish European, 0.000085%; no homozygotes.

Submission:

Women's Health and Genetics/Laboratory Corporation of America, LabCorp
Classification: Uncertain significance. Last evaluated: 2026-05-13. Review status: criteria provided, single submitter. Criteria: LabCorp Variant Classification Summary - May 2015. Collection method: clinical testing. Allele origin: germline.
Comment: Variant summary: TBXA2R c.-11G>A is located in the untranslated mRNA region upstream of the initiation codon. The variant was absent in 233722 control chromosomes. The available data on variant occurrences in the general population are insufficient to allow any conclusion about variant significance. To our knowledge, no occurrence of c.-11G>A in individuals affected with TBXA2R-related conditions and no experimental evidence demonstrating its impact on protein function have been reported. No submitters have cited clinical-significance assessments for this variant to ClinVar. Based on the evidence outlined above, the variant was classified as uncertain significance.